The following is an entry in ClinVar:

ClinVar aggregate classification (germline): Benign/Likely benign. Review status: criteria provided, multiple submitters, no conflicts (2 of 4 stars). 3 submissions from 3 submitters: Benign (1); Likely benign (2). Last evaluated 2026-01-18.

Conditions:
Birt-Hogg-Dube syndrome 1 (BHD1). Also called: FIBROFOLLICULOMAS WITH TRICHODISCOMAS AND ACROCHORDONS. Identifiers: Orphanet 122, MedGen CN375946, MONDO:0800445, OMIM 135150.
Birt-Hogg-Dube syndrome. Also called: Birt Hogg Dubé syndrome. Identifiers: Orphanet 122, MedGen C0346010, MONDO:0800444.

Allele frequency attached by ClinVar (database versions not stated): ExAC 0.00010; 1000 Genomes Project 30x 0.00016; 1000 Genomes Project 0.00020; ESP Exome Variant Server 0.00039.
gnomAD v4.1: 84 of 1,561,706 alleles (0.0054%); highest among the groups gnomAD compares: African/African-American, 0.011%; no homozygotes.

Submissions (3):

Labcorp Genetics (formerly Invitae), Labcorp
Classification: Likely benign for Birt-Hogg-Dube syndrome. Last evaluated: 2026-01-18. Review status: criteria provided, single submitter. Criteria: Invitae Variant Classification Sherloc (09022015). Collection method: clinical testing. Allele origin: germline.

Center for Genomic Medicine, Rigshospitalet, Copenhagen University Hospital
Classification: Likely benign. Last evaluated: 2025-03-04. Review status: criteria provided, single submitter. Criteria: ACMG Guidelines, 2015. Collection method: clinical testing. Allele origin: germline.

Myriad Genetics, Inc.
Classification: Benign for Birt-Hogg-Dube syndrome 1. Last evaluated: 2024-10-22. Review status: criteria provided, single submitter. Criteria: Myriad Autosomal Dominant, Autosomal Recessive and X-Linked Classification Criteria (2023). Collection method: clinical testing. Allele origin: unknown.
Comment: This variant is considered benign. This variant is intronic and is not expected to impact mRNA splicing. This variant has been observed at a population frequency that is significantly greater than expected given the associated disease prevalence and penetrance.

NM_144997.7(FLCN):c.397-16G>A

Gene: FLCN (folliculin; minus strand). Cytogenetic location: 17p11.2.
Variant type: single nucleotide variant.
Coding change: c.397-16G>A on transcript NM_144997.7 (MANE Select); 16 bases into the intron before coding-DNA position 397, G replaced by A.
Molecular consequence: intron variant.
Genome position (GRCh38, 1-based): chr17:17,224,159, C>T on the plus strand (G>A on the coding strand, the complement: FLCN is on the minus strand). VCF-style: chr17-17224159-C-T. GRCh37 (hg19) VCF-style: chr17-17127473-C-T.
Other names: c.397-16G>A (NM_001353231.2, NM_001353230.2, NM_144606.7); c.451-16G>A (NM_001353229.2).
Identifiers: ClinVar variation 1547755 (VCV001547755.10), dbSNP rs201100388, ClinGen allele CA8416405.